The following is an entry in ClinVar:

NM_004260.4(RECQL4):c.1114A>T (p.Arg372Trp)

Gene: RECQL4 (RecQ like helicase 4; minus strand). Cytogenetic location: 8q24.3.
Variant type: single nucleotide variant.
Coding change: c.1114A>T on transcript NM_004260.4 (MANE Select); coding-DNA position 1114, A replaced by T.
Protein change: p.Arg372Trp; replaces arginine 372 with tryptophan.
Molecular consequence: missense variant. On other transcripts: 5 prime UTR variant (6), non-coding transcript variant (3).
Genome position (GRCh38, 1-based): chr8:144,516,005, T>A on the plus strand (A>T on the coding strand, the complement: RECQL4 is on the minus strand). VCF-style: chr8-144516005-T-A. GRCh37 (hg19) VCF-style: chr8-145741389-T-A.
Other names: c.1018A>T, p.Arg340Trp (NM_001413017.1, NM_001413020.1); c.1114A>T, p.Arg372Trp (NM_001413018.1, NM_001413019.1, NM_001413033.1 and 2 more transcripts); c.43A>T, p.Arg15Trp (NM_001413021.1, NM_001413022.1, NM_001413023.1 and 8 more transcripts); c.985A>T, p.Arg329Trp (NM_001413025.1); c.-20A>T (NM_001413027.1, NM_001413030.1, NM_001413031.1 and 2 more transcripts); c.763A>T, p.Arg255Trp (NM_001413029.1); c.-227A>T (NM_001413043.1); short protein forms R340W, R372W, R15W, R255W, R329W.
Identifiers: ClinVar variation 4841552 (VCV004841552.1).

ClinVar aggregate classification (germline): Uncertain significance (1 of 4 stars; one submission).

Conditions:
Inborn genetic diseases. Identifiers: MedGen C0950123, MeSH D030342.

Submission:

Ambry Genetics
Classification: Uncertain significance for Inborn genetic diseases. Last evaluated: 2025-12-15. Review status: criteria provided, single submitter. Criteria: Ambry Variant Classification Scheme 2023. Collection method: clinical testing. Allele origin: germline.
Comment: The p.R372W variant (also known as c.1114A>T), located in coding exon 5 of the RECQL4 gene, results from an A to T substitution at nucleotide position 1114. The arginine at codon 372 is replaced by tryptophan, an amino acid with dissimilar properties. This amino acid position is conserved. In addition, the in silico prediction for this alteration is inconclusive. Based on the available evidence, the clinical significance of this variant remains unclear.